The following is an entry in ClinVar:

NM_020433.5(JPH2):c.1991C>A (p.Ala664Glu)

Gene: JPH2 (junctophilin 2; minus strand). Cytogenetic location: 20q13.12.
Variant type: single nucleotide variant.
Coding change: c.1991C>A on transcript NM_020433.5 (MANE Select); coding-DNA position 1991, C replaced by A.
Protein change: p.Ala664Glu; replaces alanine 664 with glutamic acid.
Molecular consequence: missense variant.
Genome position (GRCh38, 1-based): chr20:44,115,684, G>T on the plus strand (C>A on the coding strand, the complement: JPH2 is on the minus strand). VCF-style: chr20-44115684-G-T. GRCh37 (hg19) VCF-style: chr20-42744324-G-T.
Other names: short protein forms A664E.
Identifiers: ClinVar variation 524979 (VCV000524979.8), dbSNP rs766295044, ClinGen allele CA409099534.

ClinVar aggregate classification (germline): Uncertain significance (1 of 4 stars; one submission).

Conditions:
Hypertrophic cardiomyopathy. Also called: HYPERTROPHIC MYOCARDIOPATHY. Identifiers: Orphanet 217569, MedGen C0007194, MeSH D002312, MONDO:0005045, HP:0001639.

Submission:

Labcorp Genetics (formerly Invitae), Labcorp
Classification: Uncertain significance for Hypertrophic cardiomyopathy. Last evaluated: 2017-08-31. Review status: criteria provided, single submitter. Criteria: Invitae Variant Classification Sherloc (09022015). Collection method: clinical testing. Allele origin: germline.
Comment: This sequence change replaces alanine with glutamic acid at codon 664 of the JPH2 protein (p.Ala664Glu). The alanine residue is weakly conserved and there is a moderate physicochemical difference between alanine and glutamic acid. This variant is not present in population databases (ExAC no frequency). This variant has not been reported in the literature in individuals with JPH2-related disease. Algorithms developed to predict the effect of missense changes on protein structure and function (SIFT, PolyPhen-2, Align-GVGD) all suggest that this variant is likely to be tolerated, but these predictions have not been confirmed by published functional studies and their clinical significance is uncertain. In summary, the available evidence is currently insufficient to determine the role of this variant in disease. Therefore, it has been classified as a Variant of Uncertain Significance.